The following is an entry in ClinVar:

ClinVar aggregate classification (germline): Uncertain significance. Review status: criteria provided, multiple submitters, no conflicts (2 of 4 stars). 2 submissions from 2 submitters: Uncertain significance (2). Last evaluated 2025-10-28.

Conditions:
Inborn genetic diseases. Identifiers: MedGen C0950123, MeSH D030342.

Allele frequency attached by ClinVar (database versions not stated): gnomAD exomes 0.00013; ExAC 0.00008; ESP Exome Variant Server 0.00023; gnomAD 0.00007; TOPMed 0.00009.
gnomAD v4.1: 203 of 1,614,006 alleles (0.013%); highest among the groups gnomAD compares: Non-Finnish European, 0.016%; no homozygotes.

Submissions (2):

Labcorp Genetics (formerly Invitae), Labcorp
Classification: Uncertain significance. Last evaluated: 2025-10-28. Review status: criteria provided, single submitter. Criteria: Invitae Variant Classification Sherloc (09022015). Collection method: clinical testing. Allele origin: germline.
Comment: This sequence change replaces glycine, which is neutral and non-polar, with serine, which is neutral and polar, at codon 39 of the LRP6 protein (p.Gly39Ser). This variant is present in population databases (rs147654774, gnomAD 0.01%). This variant has not been reported in the literature in individuals affected with LRP6-related conditions. ClinVar contains an entry for this variant (Variation ID: 2699376). An algorithm developed to predict the effect of missense changes on protein structure and function (PolyPhen-2) suggests that this variant is likely to be tolerated. In summary, the available evidence is currently insufficient to determine the role of this variant in disease. Therefore, it has been classified as a Variant of Uncertain Significance.

Ambry Genetics
Classification: Uncertain significance for Inborn genetic diseases. Last evaluated: 2024-09-26. Review status: criteria provided, single submitter. Criteria: Ambry Variant Classification Scheme 2023. Collection method: clinical testing. Allele origin: germline.

NM_002336.3(LRP6):c.115G>A (p.Gly39Ser)

Gene: LRP6 (LDL receptor related protein 6; minus strand). Cytogenetic location: 12p13.2.
Variant type: single nucleotide variant.
Coding change: c.115G>A on transcript NM_002336.3 (MANE Select); coding-DNA position 115, G replaced by A.
Protein change: p.Gly39Ser; replaces glycine 39 with serine.
Molecular consequence: missense variant. On other transcripts: 5 prime UTR variant (2), non-coding transcript variant (1), intron variant (1).
Genome position (GRCh38, 1-based): chr12:12,244,596, C>T on the plus strand (G>A on the coding strand, the complement: LRP6 is on the minus strand). VCF-style: chr12-12244596-C-T. GRCh37 (hg19) VCF-style: chr12-12397530-C-T.
Other names: c.115G>A, p.Gly39Ser (NM_001414244.1, NM_001414245.1, NM_001414246.1 and 6 more transcripts); c.-339G>A (NM_001414253.1); c.-335G>A (NM_001414254.1); c.-5+22085G>A (NM_001414252.1); c.115G>A (NM_002336.2); short protein forms G39S.
Identifiers: ClinVar variation 2699376 (VCV002699376.4), dbSNP rs147654774, ClinGen allele CA6455935.